The following is an entry in ClinVar:

ClinVar aggregate classification (germline): Conflicting classifications of pathogenicity. Review status: criteria provided, conflicting classifications (1 of 4 stars). 6 submissions from 6 submitters: Likely pathogenic (1); Uncertain significance (4). 1 of the submissions does not count toward it. Last evaluated 2025-12-17.

Conditions:
Mucopolysaccharidosis, MPS-III-A (MPS3A). Also called: SANFILIPPO SYNDROME A; SULFAMIDASE DEFICIENCY; MPS III A; HEPARAN SULFATE SULFATASE DEFICIENCY; Mucopolysaccharidosis, type IIIA; MUCOPOLYSACCHARIDOSIS, TYPE IIIA, ATTENUATED. Identifiers: Orphanet 581, Orphanet 79269, MedGen C0086647, MONDO:0009655, OMIM 252900.

Allele frequency attached by ClinVar (database versions not stated): TOPMed 0.00001.
gnomAD v4.1: 4 of 1,572,326 alleles (0.00025%); highest among the groups gnomAD compares: Admixed American, 0.0019%; no homozygotes.

Submissions (6):

Myriad Genetics, Inc.
Classification: Uncertain significance for Mucopolysaccharidosis, MPS-III-A. Last evaluated: 2025-12-17. Review status: criteria provided, single submitter. Criteria: Myriad Autosomal Dominant, Autosomal Recessive and X-Linked Classification Criteria (2023). Collection method: clinical testing. Allele origin: unknown.
Comment: NM_000199.3(SGSH):c.244C>A(P82T) is a missense variant classified as a variant of uncertain significance in the context of mucopolysaccharidosis type IIIA. P82T has not been observed in cases with relevant disease. Relevant functional assessments of this variant are not available in the literature. P82T has been observed in referenced population frequency databases. In summary, there is insufficient evidence to classify NM_000199.3(SGSH):c.244C>A(P82T) as pathogenic or benign. Please note: this variant was assessed in the context of healthy population screening.

GeneDx
Classification: Likely pathogenic. Last evaluated: 2025-08-12. Review status: criteria provided, single submitter. Criteria: GeneDx Variant Classification Process June 2021. Collection method: clinical testing. Allele origin: germline.
Comment: Not observed at significant frequency in large population cohorts (gnomAD); In silico analysis supports that this missense variant has a deleterious effect on protein structure/function; Has not been previously published as pathogenic or benign to our knowledge

Women's Health and Genetics/Laboratory Corporation of America, LabCorp
Classification: Uncertain significance. Last evaluated: 2023-12-17. Review status: criteria provided, single submitter. Criteria: LabCorp Variant Classification Summary - May 2015. Collection method: clinical testing. Allele origin: germline.

Labcorp Genetics (formerly Invitae), Labcorp
Classification: Uncertain significance for Mucopolysaccharidosis, MPS-III-A. Last evaluated: 2022-07-03. Review status: criteria provided, single submitter. Criteria: Invitae Variant Classification Sherloc (09022015). Collection method: clinical testing. Allele origin: germline.
Comment: This sequence change replaces proline, which is neutral and non-polar, with threonine, which is neutral and polar, at codon 82 of the SGSH protein (p.Pro82Thr). The frequency data for this variant in the population databases is considered unreliable, as metrics indicate poor data quality at this position in the gnomAD database. This variant has not been reported in the literature in individuals affected with SGSH-related conditions. ClinVar contains an entry for this variant (Variation ID: 936306). Advanced modeling of protein sequence and biophysical properties (such as structural, functional, and spatial information, amino acid conservation, physicochemical variation, residue mobility, and thermodynamic stability) performed at Invitae indicates that this missense variant is expected to disrupt SGSH protein function. In summary, the available evidence is currently insufficient to determine the role of this variant in disease. Therefore, it has been classified as a Variant of Uncertain Significance.

Genome-Nilou Lab
Classification: Uncertain significance for Mucopolysaccharidosis, MPS-III-A. Last evaluated: 2021-11-07. Review status: criteria provided, single submitter. Criteria: ACMG Guidelines, 2015. Collection method: clinical testing. Allele origin: germline. Affected: no.

Natera, Inc.
Classification: Uncertain significance for Mucopolysaccharidosis type IIIA. Last evaluated: 2021-09-14. Review status: no assertion criteria provided. Collection method: clinical testing. Allele origin: germline. Not counted in ClinVar's aggregate classification.

NM_000199.5(SGSH):c.244C>A (p.Pro82Thr)

Gene: SGSH (N-sulfoglucosamine sulfohydrolase; minus strand). Cytogenetic location: 17q25.3.
Variant type: single nucleotide variant.
Coding change: c.244C>A on transcript NM_000199.5 (MANE Select); coding-DNA position 244, C replaced by A.
Protein change: p.Pro82Thr; replaces proline 82 with threonine.
Molecular consequence: missense variant. On other transcripts: non-coding transcript variant (1).
Genome position (GRCh38, 1-based): chr17:80,217,037, G>T on the plus strand (C>A on the coding strand, the complement: SGSH is on the minus strand). VCF-style: chr17-80217037-G-T. GRCh37 (hg19) VCF-style: chr17-78190836-G-T.
Other names: c.244C>A, p.Pro82Thr (NM_001352921.3, NM_001352922.2); short protein forms P82T.
Identifiers: ClinVar variation 936306 (VCV000936306.16), dbSNP rs1385318543, ClinGen allele CA401364088.